The following is an entry in ClinVar:

NM_004994.3(MMP9):c.2026G>A (p.Asp676Asn)

Genes: MMP9 (matrix metallopeptidase 9; plus strand), SLC12A5-AS1 (SLC12A5 and MMP9 antisense RNA 1; minus strand). Cytogenetic location: 20q13.12.
Variant type: single nucleotide variant.
Coding change: c.2026G>A on transcript NM_004994.3 (MANE Select); coding-DNA position 2026, G replaced by A.
Protein change: p.Asp676Asn; replaces aspartic acid 676 with asparagine.
Molecular consequence: missense variant.
Genome position (GRCh38, 1-based): chr20:46,016,270, G>A. VCF-style: chr20-46016270-G-A. GRCh37 (hg19) VCF-style: chr20-44644909-G-A.
Other names: short protein forms D676N.
Identifiers: ClinVar variation 1981878 (VCV001981878.4), dbSNP rs1450391556, ClinGen allele CA409227419.
Genomic context (GRCh38, chr20:46,016,270, plus strand): 5'-AATTAGAATCACTCCTCTTATGCCTGCCTGTCTCCTGCAGAGAAAGCCTATTTCTGCCAG[G>A]ACCGCTTCTACTGGCGCGTGAGTTCCCGGAGTGAGTTGAACCAGGTGGACCAAGTGGGCT-3'
Protein context (NP_004985.2, residues 666-686): QYREKAYFCQ[Asp676Asn]RFYWRVSSRS

ClinVar aggregate classification (germline): Uncertain significance (1 of 4 stars; one submission).

Allele frequency attached by ClinVar (database versions not stated): gnomAD exomes 0.00001.

Submission:

Labcorp Genetics (formerly Invitae), Labcorp
Classification: Uncertain significance. Last evaluated: 2022-10-12. Review status: criteria provided, single submitter. Criteria: Invitae Variant Classification Sherloc (09022015). Collection method: clinical testing. Allele origin: germline.
Comment: This variant is present in population databases (no rsID available, gnomAD no frequency). This variant has not been reported in the literature in individuals affected with MMP9-related conditions. Advanced modeling of protein sequence and biophysical properties (such as structural, functional, and spatial information, amino acid conservation, physicochemical variation, residue mobility, and thermodynamic stability) performed at Invitae indicates that this missense variant is not expected to disrupt MMP9 protein function. In summary, the available evidence is currently insufficient to determine the role of this variant in disease. Therefore, it has been classified as a Variant of Uncertain Significance. This sequence change replaces aspartic acid, which is acidic and polar, with asparagine, which is neutral and polar, at codon 676 of the MMP9 protein (p.Asp676Asn).